The following is an entry in ClinVar:

NM_024795.4(TM4SF20):c.533A>T (p.Asp178Val)

Gene: TM4SF20 (transmembrane 4 L six family member 20; minus strand). Cytogenetic location: 2q36.3.
Variant type: single nucleotide variant.
Coding change: c.533A>T on transcript NM_024795.4 (MANE Select); coding-DNA position 533, A replaced by T.
Protein change: p.Asp178Val; replaces aspartic acid 178 with valine.
Molecular consequence: missense variant.
Genome position (GRCh38, 1-based): chr2:227,363,881, T>A on the plus strand (A>T on the coding strand, the complement: TM4SF20 is on the minus strand). VCF-style: chr2-227363881-T-A. GRCh37 (hg19) VCF-style: chr2-228228597-T-A.
Other names: short protein forms D178V.
Identifiers: ClinVar variation 4535977 (VCV004535977.1).

ClinVar aggregate classification (germline): Uncertain significance (1 of 4 stars; one submission).

Submission:

Women's Health and Genetics/Laboratory Corporation of America, LabCorp
Classification: Uncertain significance. Last evaluated: 2025-09-24. Review status: criteria provided, single submitter. Criteria: LabCorp Variant Classification Summary - May 2015. Collection method: clinical testing. Allele origin: germline.
Comment: Variant summary: TM4SF20 c.533A>T (p.Asp178Val) results in a non-conservative amino acid change in the encoded protein sequence. Algorithms developed to predict the effect of missense changes on protein structure and function are either unavailable or do not agree on the potential impact of this missense change. The variant was absent in 251422 control chromosomes. The available data on variant occurrences in the general population are insufficient to allow any conclusion about variant significance. To our knowledge, no occurrence of c.533A>T in individuals affected with TM4SF20-related conditions and no experimental evidence demonstrating its impact on protein function have been reported. No submitters have cited clinical-significance assessments for this variant to ClinVar. Based on the evidence outlined above, the variant was classified as uncertain significance.